The following is an entry in ClinVar:

NM_000061.3(BTK):c.1794T>G (p.Tyr598Ter)

Gene: BTK (Bruton tyrosine kinase; minus strand). Cytogenetic location: Xq22.1.
Variant type: single nucleotide variant.
Coding change: c.1794T>G on transcript NM_000061.3 (MANE Select); coding-DNA position 1794, T replaced by G.
Protein change: p.Tyr598Ter; replaces tyrosine 598 with a stop codon.
Molecular consequence: nonsense.
Genome position (GRCh38, 1-based): chrX:101,353,308, A>C on the plus strand (T>G on the coding strand, the complement: BTK is on the minus strand). VCF-style: chrX-101353308-A-C. GRCh37 (hg19) VCF-style: chrX-100608296-A-C.
Other names: p.Tyr598*; c.1896T>G, p.Tyr632Ter (NM_001287344.2); c.1266T>G, p.Tyr422Ter (NM_001287345.2); short protein forms Y422*, Y598*, Y632*.
Identifiers: ClinVar variation 3380925 (VCV003380925.1).

ClinVar aggregate classification (germline): Pathogenic (1 of 4 stars; one submission).

Submission:

Mayo Clinic Laboratories, Mayo Clinic
Classification: Pathogenic. Last evaluated: 2023-10-20. Review status: criteria provided, single submitter. Criteria: ACMG Guidelines, 2015. Collection method: clinical testing. Allele origin: germline. Observed: 1 variant allele.
Comment: PM2, PS4_moderate, PVS1

Literature cited by the submitters: PubMed 19039656; PubMed 25525159.